The following is an entry in ClinVar:

NM_006516.4(SLC2A1):c.511G>A (p.Ala171Thr)

Gene: SLC2A1 (solute carrier family 2 member 1; minus strand). Cytogenetic location: 1p34.2.
Variant type: single nucleotide variant.
Coding change: c.511G>A on transcript NM_006516.4 (MANE Select); coding-DNA position 511, G replaced by A.
Protein change: p.Ala171Thr; replaces alanine 171 with threonine.
Molecular consequence: missense variant.
Genome position (GRCh38, 1-based): chr1:42,930,631, C>T on the plus strand (G>A on the coding strand, the complement: SLC2A1 is on the minus strand). VCF-style: chr1-42930631-C-T. GRCh37 (hg19) VCF-style: chr1-43396302-C-T.
Other names: short protein forms A171T.
Identifiers: ClinVar variation 944647 (VCV000944647.39), dbSNP rs1017082606, ClinGen allele CA21251974.
Genomic context (GRCh38, chr1:42,930,631, plus strand): 5'-CACTGAAGCTGTGGGCAGGGGCCGTGCCAGGCAGGTAGATCCTGCCCCAGCTTACCTGGG[C>T]GATGAGGATGCCGACGACGATGCCCAGCTGGTGCAGGGTGCCCAGGGCCCCACGAAGGGC-3'
Protein context (NP_006507.2, residues 161-181): QLGIVVGILI[Ala171Thr]QVFGLDSIMG

ClinVar aggregate classification (germline): Uncertain significance. Review status: criteria provided, multiple submitters, no conflicts (2 of 4 stars). 9 submissions from 5 submitters: Uncertain significance (9). Last evaluated 2023-04-11.

Conditions:
Encephalopathy due to GLUT1 deficiency. Also called: De Vivo disease; GLUT1 deficiency syndrome 1; Classic Glucose Transporter Type 1 Deficiency Syndrome; GLUCOSE TRANSPORT DEFECT, BLOOD-BRAIN BARRIER; GLUT1 deficiency syndrome 1, infantile onset, severe; Glucose transporter protein syndrome. Identifiers: Orphanet 71277, MedGen C4551966, MONDO:0011724, OMIM 606777.
GLUT1 deficiency syndrome 1, autosomal recessive. Identifiers: MedGen C3149117.
Childhood onset GLUT1 deficiency syndrome 2. Also called: Paroxysmal exercise-induced dystonia; GLUT1 deficiency syndrome 2; Exertion-induced paroxysmal dyskinesia; PAROXYSMAL EXERCISE-INDUCED DYSKINESIA WITH OR WITHOUT EPILEPSY AND/OR HEMOLYTIC ANEMIA; PAROXYSMAL EXERTION-INDUCED DYSTONIA WITH OR WITHOUT EPILEPSY AND/OR HEMOLYTIC ANEMIA; PED WITH OR WITHOUT EPILEPSY AND/OR HEMOLYTIC ANEMIA. Identifiers: Orphanet 98811, MedGen C1842534, MONDO:0012805, OMIM 612126.
Dystonia 9 (DYT9). Also called: CHOREOATHETOSIS, KINESIGENIC, WITH EPISODIC ATAXIA AND SPASTICITY. Identifiers: Orphanet 53583, MedGen C1832855, MONDO:0010983, OMIM 601042.
Epilepsy, idiopathic generalized, susceptibility to, 12 (EIG12). Identifiers: MedGen C3553859, MONDO:0013919, OMIM 614847.
Hereditary cryohydrocytosis with reduced stomatin. Also called: GLUT1 DEFICIENCY SYNDROME WITH PSEUDOHYPERKALEMIA AND HEMOLYSIS; Stomatin-deficient cryohydrocytosis with neurologic defects. Identifiers: Orphanet 168577, MedGen C1837206, MONDO:0012143, OMIM 608885.

Allele frequency attached by ClinVar (database versions not stated): gnomAD 0.00001; gnomAD exomes 0.00001; TOPMed 0.00001.

Submissions (9):

Genome-Nilou Lab
Classification: Uncertain significance for Epilepsy, idiopathic generalized, susceptibility to, 12. Last evaluated: 2023-04-11. Review status: criteria provided, single submitter. Criteria: ACMG Guidelines, 2015. Collection method: clinical testing. Allele origin: germline. Affected: no.

Genome-Nilou Lab
Classification: Uncertain significance for Dystonia 9. Last evaluated: 2023-04-11. Review status: criteria provided, single submitter. Criteria: ACMG Guidelines, 2015. Collection method: clinical testing. Allele origin: germline. Affected: no.

Genome-Nilou Lab
Classification: Uncertain significance for Encephalopathy due to GLUT1 deficiency. Last evaluated: 2023-04-11. Review status: criteria provided, single submitter. Criteria: ACMG Guidelines, 2015. Collection method: clinical testing. Allele origin: germline. Affected: no.

Genome-Nilou Lab
Classification: Uncertain significance for Childhood onset GLUT1 deficiency syndrome 2. Last evaluated: 2023-04-11. Review status: criteria provided, single submitter. Criteria: ACMG Guidelines, 2015. Collection method: clinical testing. Allele origin: germline. Affected: no.

Genome-Nilou Lab
Classification: Uncertain significance for Hereditary cryohydrocytosis with reduced stomatin. Last evaluated: 2023-04-11. Review status: criteria provided, single submitter. Criteria: ACMG Guidelines, 2015. Collection method: clinical testing. Allele origin: germline. Affected: no.

Labcorp Genetics (formerly Invitae), Labcorp
Classification: Uncertain significance for GLUT1 deficiency syndrome 1, autosomal recessive. Last evaluated: 2022-10-13. Review status: criteria provided, single submitter. Criteria: Invitae Variant Classification Sherloc (09022015). Collection method: clinical testing. Allele origin: germline.
Comment: This sequence change replaces alanine, which is neutral and non-polar, with threonine, which is neutral and polar, at codon 171 of the SLC2A1 protein (p.Ala171Thr). This variant is present in population databases (no rsID available, gnomAD 0.01%). In summary, the available evidence is currently insufficient to determine the role of this variant in disease. Therefore, it has been classified as a Variant of Uncertain Significance. Advanced modeling of protein sequence and biophysical properties (such as structural, functional, and spatial information, amino acid conservation, physicochemical variation, residue mobility, and thermodynamic stability) performed at Invitae indicates that this missense variant is expected to disrupt SLC2A1 protein function. ClinVar contains an entry for this variant (Variation ID: 944647). This variant has not been reported in the literature in individuals affected with SLC2A1-related conditions.

CeGaT Center for Human Genetics Tuebingen
Classification: Uncertain significance. Last evaluated: 2022-10-01. Review status: criteria provided, single submitter. Criteria: CeGaT Center For Human Genetics Tuebingen Variant Classification Criteria Version 2. Collection method: clinical testing. Allele origin: germline. Affected: yes. Observed: 1 variant allele.
Comment: SLC2A1: PM1

Institute of Human Genetics, University of Goettingen
Classification: Uncertain significance for Dystonia 9. Last evaluated: 2022-02-24. Review status: criteria provided, single submitter. Criteria: ACMG Guidelines, 2015. Collection method: clinical testing. Allele origin: germline. Inheritance: Autosomal dominant inheritance. Affected: yes. Observed: 1 heterozygote.

Greenwood Genetic Center Diagnostic Laboratories, Greenwood Genetic Center
Classification: Uncertain significance. Last evaluated: 2021-08-10. Review status: criteria provided, single submitter. Criteria: ACMG Guidelines, 2015. Collection method: clinical testing. Allele origin: germline. Affected: yes.
Comment: PM2